The following is an entry in ClinVar:

ClinVar aggregate classification (germline): Uncertain significance (1 of 4 stars; one submission).

Conditions:
Hepatic veno-occlusive disease-immunodeficiency syndrome. Also called: Hepatic Veno-Occlusive Disease with Immunodeficiency. Identifiers: Orphanet 79124, MedGen C1856128, MONDO:0009338, OMIM 235550. Disease mechanism: loss of function.

Allele frequency attached by ClinVar (database versions not stated): gnomAD exomes below 0.00001; TOPMed below 0.00001.
gnomAD v4.1: 3 of 1,614,116 alleles (0.00019%); highest among the groups gnomAD compares: Non-Finnish European, 0.00025%; no homozygotes.

Submission:

Labcorp Genetics (formerly Invitae), Labcorp
Classification: Uncertain significance for Hepatic veno-occlusive disease-immunodeficiency syndrome. Last evaluated: 2022-03-18. Review status: criteria provided, single submitter. Criteria: Invitae Variant Classification Sherloc (09022015). Collection method: clinical testing. Allele origin: germline.
Comment: This sequence change replaces glycine, which is neutral and non-polar, with valine, which is neutral and non-polar, at codon 190 of the SP110 protein (p.Gly190Val). This variant is not present in population databases (gnomAD no frequency). This variant has not been reported in the literature in individuals affected with SP110-related conditions. Algorithms developed to predict the effect of missense changes on protein structure and function are either unavailable or do not agree on the potential impact of this missense change (SIFT: "Deleterious"; PolyPhen-2: "Probably Damaging"; Align-GVGD: "Class C0"). Algorithms developed to predict the effect of sequence changes on RNA splicing suggest that this variant may create or strengthen a splice site. In summary, the available evidence is currently insufficient to determine the role of this variant in disease. Therefore, it has been classified as a Variant of Uncertain Significance.

NM_080424.4(SP110):c.569G>T (p.Gly190Val)

Genes: SP140 (SP140 nuclear body protein; plus strand), SP110 (SP110 nuclear body protein; minus strand). Cytogenetic location: 2q37.1.
Variant type: single nucleotide variant.
Coding change: c.569G>T on transcript NM_080424.4 (MANE Select); coding-DNA position 569, G replaced by T.
Protein change: p.Gly190Val; replaces glycine 190 with valine.
Molecular consequence: missense variant.
Genome position (GRCh38, 1-based): chr2:230,212,775, C>A on the plus strand (G>T on the coding strand, the complement: SP110 is on the minus strand). VCF-style: chr2-230212775-C-A. GRCh37 (hg19) VCF-style: chr2-231077490-C-A.
Other names: c.587G>T, p.Gly196Val (NM_001185015.2, NM_001378442.1, NM_001378444.1 and 2 more transcripts); c.569G>T, p.Gly190Val (NM_001378443.1, NM_001378447.1, NM_004509.5 and 1 more transcripts); short protein forms G190V, G196V.
Identifiers: ClinVar variation 1347134 (VCV001347134.3), dbSNP rs2044640933, ClinGen allele CA350916125.